The following is an entry in ClinVar:

NM_024422.6(DSC2):c.835C>T (p.Arg279Cys)

Gene: DSC2 (desmocollin 2; minus strand). Cytogenetic location: 18q12.1.
Variant type: single nucleotide variant.
Coding change: c.835C>T on transcript NM_024422.6 (MANE Select); coding-DNA position 835, C replaced by T.
Protein change: p.Arg279Cys; replaces arginine 279 with cysteine.
Molecular consequence: missense variant.
Genome position (GRCh38, 1-based): chr18:31,086,683, G>A on the plus strand (C>T on the coding strand, the complement: DSC2 is on the minus strand). VCF-style: chr18-31086683-G-A. GRCh37 (hg19) VCF-style: chr18-28666646-G-A.
Other names: c.835C>T (NM_024422.4); c.835C>T, p.Arg279Cys (NM_004949.5); short protein forms R279C.
Identifiers: ClinVar variation 36007 (VCV000036007.22), dbSNP rs193922708, ClinGen allele CA022936.
Genomic context (GRCh38, chr18:31,086,683, plus strand): 5'-GATGCATAGAAAATAGGGTGGGTGATGGTGGCACCTGCCCAATGATGGAGTACTTCAGGC[G>A]TGTGTGCATCGTGTCAGGCTCATCTTTGTCAGTAGCACACACTTGTCCCACAGTAGTGCC-3'
Protein context (NP_077740.1, residues 269-289): DKDEPDTMHT[Arg279Cys]LKYSIIGQVP

ClinVar aggregate classification (germline): Conflicting classifications of pathogenicity. Review status: criteria provided, conflicting classifications (1 of 4 stars). 9 submissions from 9 submitters: Uncertain significance (7); Benign (1); Likely benign (1). Last evaluated 2026-03-27.

Conditions:
Cardiovascular phenotype. Identifiers: MedGen CN230736.
Familial isolated arrhythmogenic right ventricular dysplasia. Identifiers: Orphanet 217656, MedGen C4274968, MONDO:0016342.
Cardiomyopathy (CMYO). Also called: Cardiomyopathies. Identifiers: Orphanet 167848, MedGen C0878544, MONDO:0004994, HP:0001638. Inheritance: Various modes of inheritance.
Long QT syndrome (LQTS). Identifiers: MedGen C0023976, MeSH D008133, MONDO:0002442. Disease mechanism: loss of function. Inheritance: Various modes of inheritance.
Arrhythmogenic right ventricular dysplasia 11. Also called: Arrhythmogenic Right Ventricular Dysplasia/Cardiomyopathy11; Arrhythmogenic right ventricular dysplasia 11 with mild palmoplantar keratoderma and woolly hair; ARRHYTHMOGENIC RIGHT VENTRICULAR DYSPLASIA, FAMILIAL, 11. Identifiers: MedGen C1864850, MONDO:0012506, OMIM 610476.

Allele frequency attached by ClinVar (database versions not stated): ExAC 0.00007; 1000 Genomes Project 30x 0.00016; gnomAD exomes 0.00005; TOPMed 0.00003; 1000 Genomes Project 0.00020; ESP Exome Variant Server 0.00015.
gnomAD v4.1: 31 of 1,614,148 alleles (0.0019%); highest among the groups gnomAD compares: South Asian, 0.0033%; no homozygotes.

Submissions (9):

Molecular Diagnostic Laboratory for Inherited Cardiovascular Disease, Montreal Heart Institute
Classification: Uncertain significance for Cardiovascular phenotype. Last evaluated: 2026-03-27. Review status: criteria provided, single submitter. Criteria: ACMG Guidelines, 2015. Collection method: clinical testing. Allele origin: germline. Affected: yes.
Comment: PM2, BP1

Labcorp Genetics (formerly Invitae), Labcorp
Classification: Uncertain significance for Arrhythmogenic right ventricular dysplasia 11. Last evaluated: 2025-12-23. Review status: criteria provided, single submitter. Criteria: Invitae Variant Classification Sherloc (09022015). Collection method: clinical testing. Allele origin: germline.
Comment: This sequence change replaces arginine, which is basic and polar, with cysteine, which is neutral and slightly polar, at codon 279 of the DSC2 protein (p.Arg279Cys). This variant is present in population databases (rs193922708, gnomAD 0.01%). This missense change has been observed in individual(s) with arrhythmogenic right ventricular cardiomyopathy or left ventricular noncompaction with hypertrophic cardiomyopathy (PMID: 24832006, 31397097). ClinVar contains an entry for this variant (Variation ID: 36007). Invitae Evidence Modeling of protein sequence and biophysical properties (such as structural, functional, and spatial information, amino acid conservation, physicochemical variation, residue mobility, and thermodynamic stability) has been performed for this missense variant. However, the output from this modeling did not meet the statistical confidence thresholds required to predict the impact of this variant on DSC2 protein function. In summary, the available evidence is currently insufficient to determine the role of this variant in disease. Therefore, it has been classified as a Variant of Uncertain Significance.

All of Us Research Program, National Institutes of Health
Classification: Uncertain significance for Familial isolated arrhythmogenic right ventricular dysplasia. Last evaluated: 2024-06-17. Review status: criteria provided, single submitter. Criteria: ACMG Guidelines, 2015. Collection method: clinical testing. Allele origin: germline. Inheritance: Autosomal dominant inheritance. Observed: 8 variant alleles, 8 heterozygotes.
Comment: This missense variant replaces arginine with cysteine at codon 279 of the DSC2 protein. Computational prediction is inconclusive regarding the impact of this variant on protein structure and function (internally defined REVEL score threshold 0.5 < inconclusive < 0.7, PMID: 27666373). To our knowledge, functional studies have not been reported for this variant. This variant has been reported in an individual affected with arrhythmogenic right ventricular cardiomyopathy and in another individual affected with left ventricular noncompaction and hypertrophic cardiomyopathy (PMID: 31397097, 32268277). Both of them also carried a pathogenic variant in a different gene that could explain the observed phenotype, suggesting that this DSC2 variant may not have been the cause of cardiomyopathy in these two individuals. This variant has been identified in 12/251360 chromosomes in the general population by the Genome Aggregation Database (gnomAD). The available evidence is insufficient to determine the role of this variant in disease conclusively. Therefore, this variant is classified as a Variant of Uncertain Significance.

This study involves interpretation of variants in research participants for the purpose of population health screening. Participant phenotype was not available at the time of variant classification. Additional details can be found in publication PMID: 35346344, PMCID: PMC8962531

Color Diagnostics, LLC DBA Color Health
Classification: Uncertain significance for Cardiomyopathy. Last evaluated: 2024-02-07. Review status: criteria provided, single submitter. Criteria: ACMG Guidelines, 2015. Collection method: clinical testing. Allele origin: germline.
Comment: This missense variant replaces arginine with cysteine at codon 279 of the DSC2 protein. Computational prediction is inconclusive regarding the impact of this variant on protein structure and function (internally defined REVEL score threshold 0.5 < inconclusive < 0.7, PMID: 27666373). To our knowledge, functional studies have not been reported for this variant. This variant has been reported in an individual affected with arrhythmogenic right ventricular cardiomyopathy and in another individual affected with left ventricular noncompaction and hypertrophic cardiomyopathy (PMID: 31397097, 32268277). Both of them also carried a pathogenic variant in a different gene that could explain the observed phenotype, suggesting that this DSC2 variant may not have been the cause of cardiomyopathy in these two individuals. This variant has been identified in 12/251360 chromosomes in the general population by the Genome Aggregation Database (gnomAD). The available evidence is insufficient to determine the role of this variant in disease conclusively. Therefore, this variant is classified as a Variant of Uncertain Significance.

Ambry Genetics
Classification: Benign for Cardiovascular phenotype. Last evaluated: 2024-01-23. Review status: criteria provided, single submitter. Criteria: Ambry Variant Classification Scheme 2023. Collection method: clinical testing. Allele origin: germline.

Dept of Medical Biology, Uskudar University
Classification: Uncertain significance for Long QT syndrome. Last evaluated: 2024-01-08. Review status: criteria provided, single submitter. Criteria: Dept of Medical Biology Variant Classification. Collection method: research. Allele origin: paternal. Affected: yes. Observed: 1 variant allele.
Comment: Criteria: PM2

Women's Health and Genetics/Laboratory Corporation of America, LabCorp
Classification: Likely benign. Last evaluated: 2023-12-28. Review status: criteria provided, single submitter. Criteria: LabCorp Variant Classification Summary - May 2015. Collection method: clinical testing. Allele origin: germline.
Comment: Variant summary: DSC2 c.835C>T (p.Arg279Cys) results in a non-conservative amino acid change located in the Cadherin-like domain (IPR002126) of the encoded protein sequence. Three of five in-silico tools predict a damaging effect of the variant on protein function. The variant allele was found at a frequency of 4.8e-05 in 251360 control chromosomes. The observed variant frequency is approximately 1.9 fold of the estimated maximal expected allele frequency for a pathogenic variant in DSC2 causing Cardiomyopathy phenotype (2.5e-05), strongly suggesting that the variant is benign. c.835C>T has been reported in the literature in cohorts of individuals with arrhythmogenic right ventricular cardiomyopathy (example, Alcade_2014) and left ventricular noncompaction cardiomyopathy (LVNC) (example, Li_2019). These report(s) do not provide unequivocal conclusions about association of the variant with DSC2-related Arrhythmogenic Right Ventricular Dysplasia/Cardiomyopathy. At-least two co-occurrences with other pathogenic variant(s) have been reported in individuals with arrhythmogenic right ventricular cardiomyopathy (PKP2) or left ventricular noncompaction cardiomyopathy (LVNC) (Alcade_2014, PKP2 c.1882delC, p.Gln628Argfs*28; Li_2019, TNNT2 c.305G>A, p.Arg102Gln), providing supporting evidence for a benign role attributed to an alternative molecular basis of disease. To our knowledge, no experimental evidence demonstrating an impact on protein function has been reported. The following publications have been ascertained in the context of this evaluation (PMID: 24832006, 31397097). Four submitters have cited clinical-significance assessments for this variant to ClinVar after 2014. All submitters classified the variant as uncertain significance. Based on the evidence outlined above, the variant was re-classified as likely benign.

Illumina Laboratory Services, Illumina
Classification: Uncertain significance for Arrhythmogenic right ventricular dysplasia 11. Last evaluated: 2018-01-13. Review status: criteria provided, single submitter. Criteria: ICSL Variant Classification Criteria 13 December 2019. Collection method: clinical testing. Allele origin: germline.

Biesecker Lab/Clinical Genomics Section, National Institutes of Health
Classification: Uncertain significance. Last evaluated: 2013-06-24. Review status: criteria provided, single submitter. Criteria: Ng et al. (Circ Cardiovasc Genet. 2013). Collection method: research. Allele origin: unknown. Observed: 1 variant allele. Study: ClinSeq.
Comment: The study set was not selected for affection status in relation to any cancer. Pathogenicity categories were based on literature curation. See Pubmed ID:23861362 for details.

Medical sequencing

Literature cited by the submitters: PubMed 24832006 (cited by 3 submitters); PubMed 31397097 (cited by 5 submitters); PubMed 32268277 (cited by 3 submitters); PubMed 23861362 (cited by Ambry Genetics); PubMed 30371277 (cited by Ambry Genetics).